The following is an entry in ClinVar:

NM_001367624.2(ZNF469):c.833C>T (p.Pro278Leu)

Gene: ZNF469 (zinc finger protein 469; plus strand). Cytogenetic location: 16q24.2.
Variant type: single nucleotide variant.
Coding change: c.833C>T on transcript NM_001367624.2 (MANE Select); coding-DNA position 833, C replaced by T.
Protein change: p.Pro278Leu; replaces proline 278 with leucine.
Molecular consequence: missense variant.
Genome position (GRCh38, 1-based): chr16:88,428,303, C>T. VCF-style: chr16-88428303-C-T. GRCh37 (hg19) VCF-style: chr16-88494711-C-T.
Other names: NM_001127464.1:c.833C>T; NM_001127464.2:c.833C>T; short protein forms P278L.
Identifiers: ClinVar variation 1762986 (VCV001762986.6), dbSNP rs577446263, ClinGen allele CA286372146.

ClinVar aggregate classification (germline): Conflicting classifications of pathogenicity. Review status: criteria provided, conflicting classifications (1 of 4 stars). 4 submissions from 4 submitters: Uncertain significance (2); Likely benign (2). Last evaluated 2026-01-22.

Conditions:
ZNF469-related disorder. Also called: ZNF469-related condition.
Cardiovascular phenotype. Identifiers: MedGen CN230736.

Allele frequency attached by ClinVar (database versions not stated): gnomAD exomes 0.00004; gnomAD 0.00010; TOPMed 0.00011; 1000 Genomes Project 0.00020; 1000 Genomes Project 30x 0.00031.
gnomAD v4.1: 67 of 1,550,342 alleles (0.0043%); highest among the groups gnomAD compares: East Asian, 0.093%; no homozygotes.

Submissions (4):

Women's Health and Genetics/Laboratory Corporation of America, LabCorp
Classification: Uncertain significance. Last evaluated: 2026-01-22. Review status: criteria provided, single submitter. Criteria: LabCorp Variant Classification Summary - May 2015. Collection method: clinical testing. Allele origin: germline.

PreventionGenetics, part of Exact Sciences
Classification: Likely benign for ZNF469-related condition. Last evaluated: 2025-11-01. Review status: criteria provided, single submitter. Criteria: ACMG Guidelines, 2015. Collection method: clinical testing. Allele origin: germline.
Comment: This variant is classified as likely benign based on ACMG/AMP sequence variant interpretation guidelines (Richards et al. 2015 PMID: 25741868, with internal and published modifications).

Labcorp Genetics (formerly Invitae), Labcorp
Classification: Uncertain significance. Last evaluated: 2022-08-19. Review status: criteria provided, single submitter. Criteria: Invitae Variant Classification Sherloc (09022015). Collection method: clinical testing. Allele origin: germline.
Comment: This sequence change replaces proline, which is neutral and non-polar, with leucine, which is neutral and non-polar, at codon 278 of the ZNF469 protein (p.Pro278Leu). This variant is present in population databases (rs577446263, gnomAD 0.2%). This variant has not been reported in the literature in individuals affected with ZNF469-related conditions. Algorithms developed to predict the effect of missense changes on protein structure and function (SIFT, PolyPhen-2, Align-GVGD) all suggest that this variant is likely to be tolerated. In summary, the available evidence is currently insufficient to determine the role of this variant in disease. Therefore, it has been classified as a Variant of Uncertain Significance.

Ambry Genetics
Classification: Likely benign for Cardiovascular phenotype. Last evaluated: 2022-06-24. Review status: criteria provided, single submitter. Criteria: Ambry Variant Classification Scheme 2023. Collection method: clinical testing. Allele origin: germline.